The following is an entry in ClinVar:

ClinVar aggregate classification (germline): Uncertain significance (1 of 4 stars; one submission).

Submission:

Mayo Clinic Laboratories, Mayo Clinic
Classification: Uncertain significance. Last evaluated: 2025-10-09. Review status: criteria provided, single submitter. Criteria: ACMG Guidelines, 2015. Collection method: clinical testing. Allele origin: germline. Observed: 1 variant allele.
Comment: PP3, PM2_supporting, PS1_supporting

NM_000089.4(COL1A2):c.324+5G>C

Gene: COL1A2 (collagen type I alpha 2 chain; plus strand). Cytogenetic location: 7q21.3.
Variant type: single nucleotide variant.
Coding change: c.324+5G>C on transcript NM_000089.4 (MANE Select); 5 bases into the intron after coding-DNA position 324, G replaced by C.
Molecular consequence: intron variant.
Genome position (GRCh38, 1-based): chr7:94,404,605, G>C. VCF-style: chr7-94404605-G-C. GRCh37 (hg19) VCF-style: chr7-94033917-G-C.
Identifiers: ClinVar variation 4541310 (VCV004541310.1).